The following is an entry in ClinVar:

NM_003072.5(SMARCA4):c.3383G>A (p.Gly1128Glu)

Gene: SMARCA4 (SWI/SNF related BAF chromatin remodeling complex subunit ATPase 4; plus strand). Cytogenetic location: 19p13.2.
Variant type: single nucleotide variant.
Coding change: c.3383G>A on transcript NM_003072.5 (MANE Select); coding-DNA position 3383, G replaced by A.
Protein change: p.Gly1128Glu; replaces glycine 1128 with glutamic acid.
Molecular consequence: missense variant. On other transcripts: non-coding transcript variant (1).
Genome position (GRCh38, 1-based): chr19:11,030,730, G>A. VCF-style: chr19-11030730-G-A. GRCh37 (hg19) VCF-style: chr19-11141406-G-A.
Other names: c.3383G>A, p.Gly1128Glu (NM_001128844.3, NM_001128845.2, NM_001128846.2 and 6 more transcripts); short protein forms G1128E.
Identifiers: ClinVar variation 2701323 (VCV002701323.3), dbSNP rs2146597301, ClinGen allele CA404062493.
Genomic context (GRCh38, chr19:11,030,730, plus strand): 5'-GTGTCCCCACTCTACCCCTGAGGTCACCCCGCTGACCCTGTTCTCCTCTGTGCCCGTCAG[G>A]AACCACGAAGGCGGAGGACCGGGGCATGCTGCTGAAAACCTTCAACGAGCCCGGCTCTGA-3'
Protein context (NP_003063.2, residues 1118-1138): YRGFKYLRLD[Gly1128Glu]TTKAEDRGML

ClinVar aggregate classification (germline): Uncertain significance (1 of 4 stars; one submission).

Conditions:
Rhabdoid tumor predisposition syndrome 2 (RTPS2). Identifiers: Orphanet 231108, Orphanet 69077, MedGen C2750074, MONDO:0013224, OMIM 613325.

Submission:

Labcorp Genetics (formerly Invitae), Labcorp
Classification: Uncertain significance for Rhabdoid tumor predisposition syndrome 2. Last evaluated: 2023-12-06. Review status: criteria provided, single submitter. Criteria: Invitae Variant Classification Sherloc (09022015). Collection method: clinical testing. Allele origin: germline.
Comment: This sequence change replaces glycine, which is neutral and non-polar, with glutamic acid, which is acidic and polar, at codon 1128 of the SMARCA4 protein (p.Gly1128Glu). This variant is not present in population databases (gnomAD no frequency). This variant has not been reported in the literature in individuals affected with SMARCA4-related conditions. An algorithm developed to predict the effect of missense changes on protein structure and function (PolyPhen-2) suggests that this variant is likely to be disruptive. In summary, the available evidence is currently insufficient to determine the role of this variant in disease. Therefore, it has been classified as a Variant of Uncertain Significance.